The following is an entry in ClinVar:

ClinVar aggregate classification (germline): Likely pathogenic. Review status: criteria provided, multiple submitters, no conflicts (2 of 4 stars). 2 submissions from 2 submitters: Likely pathogenic (2). Last evaluated 2024-09-13.

Conditions:
Fanconi anemia (FA). Also called: Fanconi's anemia. Identifiers: Orphanet 84, MedGen C0015625, MeSH D005199, MONDO:0019391.
Fanconi anemia complementation group A (FANCA). Also called: FANCA-Related Fanconi Anemia; Fanconi anemia, group A. Identifiers: Orphanet 84, MedGen C3469521, MONDO:0009215, OMIM 227650.

Submissions (2):

Natera, Inc.
Classification: Likely pathogenic for Fanconi anemia. Last evaluated: 2024-09-13. Review status: criteria provided, single submitter. Criteria: Natera Variant Classification Schema (03/2026). Collection method: clinical testing. Allele origin: germline.
Comment: The c.301C>T variant in FANCA is a nonsense variant predicted to introduce a stop codon at amino acid 101. This variant is expected to result in nonsense mediated decay, truncation, or a dysfunctional protein product. This variant is rare in the general population with a frequency below the threshold expected for the associated phenotype(s). Given the available evidence, this variant is classified as Likely Pathogenic.

Myriad Genetics, Inc.
Classification: Likely pathogenic for Fanconi anemia complementation group A. Last evaluated: 2022-01-25. Review status: criteria provided, single submitter. Criteria: Myriad Women's Health Autosomal Recessive and X-Linked Classification Criteria (2021). Collection method: clinical testing. Allele origin: unknown.
Comment: NM_000135.2(FANCA):c.301C>T(Q101*) is expected to be pathogenic in the context of Fanconi anemia complementation group A. This variant is predicted to lead to an abnormal or absent protein product due to the creation of a premature termination codon in FANCA, a gene where loss-of-function variants are known to be pathogenic. Please note: this variant was assessed in the context of healthy population screening.

NM_000135.4(FANCA):c.301C>T (p.Gln101Ter)

Gene: FANCA (FA complementation group A; minus strand). Cytogenetic location: 16q24.3.
Variant type: single nucleotide variant.
Coding change: c.301C>T on transcript NM_000135.4 (MANE Select); coding-DNA position 301, C replaced by T.
Protein change: p.Gln101Ter; replaces glutamine 101 with a stop codon.
Molecular consequence: nonsense.
Genome position (GRCh38, 1-based): chr16:89,811,054, G>A on the plus strand (C>T on the coding strand, the complement: FANCA is on the minus strand). VCF-style: chr16-89811054-G-A. GRCh37 (hg19) VCF-style: chr16-89877462-G-A.
Other names: c.301C>T (NM_000135.3); c.301C>T, p.Gln101Ter (NM_001018112.3, NM_001286167.3, NM_001351830.2); short protein forms Q101*.
Identifiers: ClinVar variation 1724107 (VCV001724107.3), dbSNP rs140412064, ClinGen allele CA397481088.